The following is an entry in ClinVar:

NM_032043.3(BRIP1):c.189G>T (p.Trp63Cys)

Gene: BRIP1 (BRCA1 interacting DNA helicase 1; minus strand). Cytogenetic location: 17q23.2.
Variant type: single nucleotide variant.
Coding change: c.189G>T on transcript NM_032043.3 (MANE Select); coding-DNA position 189, G replaced by T.
Protein change: p.Trp63Cys; replaces tryptophan 63 with cysteine.
Molecular consequence: missense variant.
Genome position (GRCh38, 1-based): chr17:61,859,812, C>A on the plus strand (G>T on the coding strand, the complement: BRIP1 is on the minus strand). VCF-style: chr17-61859812-C-A. GRCh37 (hg19) VCF-style: chr17-59937173-C-A.
Other names: short protein forms W63C.
Identifiers: ClinVar variation 3748371 (VCV003748371.2).
Genomic context (GRCh38, chr17:61,859,812, plus strand): 5'-TCAGATCCCAGTAAGTAACCTGAAGATATCAAGCAACTACTTACCACTAAGAGATTGTTG[C>A]CATGCTAAAGCAGAACAAAGTAAGGCTAAGCTTTTTCCACTTCCTGTGGGACTCTCCAAC-3'
Protein context (NP_114432.2, residues 53-73): SLALLCSALA[Trp63Cys]QQSLSGKPAD

ClinVar aggregate classification (germline): Uncertain significance (1 of 4 stars; one submission).

Conditions:
Familial cancer of breast. Also called: Hereditary breast cancer; BREAST CANCER, FAMILIAL; hereditary breast carcinoma. Identifiers: Orphanet 227535, MedGen C0346153, MONDO:0016419, OMIM 114480. Disease mechanism: loss of function.
Fanconi anemia complementation group J. Also called: BRIP1-Related Fanconi Anemia. Identifiers: Orphanet 84, MedGen C1836860, MONDO:0012187, OMIM 609054.

gnomAD v4.1: 2 of 1,612,452 alleles (0.00012%); highest among the groups gnomAD compares: Non-Finnish European, 0.00017%; no homozygotes.

Submission:

Labcorp Genetics (formerly Invitae), Labcorp
Classification: Uncertain significance for Familial cancer of breast; Fanconi anemia complementation group J. Last evaluated: 2024-04-22. Review status: criteria provided, single submitter. Criteria: Invitae Variant Classification Sherloc (09022015). Collection method: clinical testing. Allele origin: germline.
Comment: This sequence change replaces tryptophan, which is neutral and slightly polar, with cysteine, which is neutral and slightly polar, at codon 63 of the BRIP1 protein (p.Trp63Cys). This variant is not present in population databases (gnomAD no frequency). This variant has not been reported in the literature in individuals affected with BRIP1-related conditions. Advanced modeling of protein sequence and biophysical properties (such as structural, functional, and spatial information, amino acid conservation, physicochemical variation, residue mobility, and thermodynamic stability) performed at Invitae indicates that this missense variant is expected to disrupt BRIP1 protein function with a positive predictive value of 80%. In summary, the available evidence is currently insufficient to determine the role of this variant in disease. Therefore, it has been classified as a Variant of Uncertain Significance.